The following is an entry in ClinVar:

NM_001267550.2(TTN):c.39082G>A (p.Val13028Met)

Gene: TTN (titin; minus strand). Cytogenetic location: 2q31.2.
Variant type: single nucleotide variant.
Coding change: c.39082G>A on transcript NM_001267550.2 (MANE Select); coding-DNA position 39082, G replaced by A.
Protein change: p.Val13028Met; replaces valine 13028 with methionine.
Molecular consequence: missense variant. On other transcripts: intron variant (3).
Genome position (GRCh38, 1-based): chr2:178,652,503, C>T on the plus strand (G>A on the coding strand, the complement: TTN is on the minus strand). VCF-style: chr2-178652503-C-T. GRCh37 (hg19) VCF-style: chr2-179517230-C-T.
Other names: p.V10594M:GTG>ATG; c.34561G>A, p.Val11521Met (NM_001256850.1); c.31780G>A, p.Val10594Met (NM_133378.4); c.13283-10186G>A (NM_003319.4); c.13859-10186G>A (NM_133437.4); c.13658-10186G>A (NM_133432.3); short protein forms V13028M, V10594M, V11521M.
Identifiers: ClinVar variation 46917 (VCV000046917.52), dbSNP rs73038314, ClinGen allele CA283177.
Genomic context (GRCh38, chr2:178,652,503, plus strand): 5'-ATCAGTGACAAATACCTTTAACAGGTGTGACTTCAGGCTTTTTAGGAGGAGCCGCTGGCA[C>T]TTTCTTTTCAGGAACAACTTCTTTCGGAGCCTCTGGCACTTAAAAGATATTAGTGAAATT-3'
Protein context (NP_001254479.2, residues 13018-13038): APKEVVPEKK[Val13028Met]PAAPPKKPEV

ClinVar aggregate classification (germline): Benign/Likely benign. Review status: criteria provided, multiple submitters, no conflicts (2 of 4 stars). 27 submissions from 20 submitters: Benign (17); Likely benign (4). 6 of the submissions do not count toward it. Last evaluated 2026-02-03.

Conditions:
TTN-related disorder. Also called: TTN-related disorders; TTN-related condition; TTN-related disease.
Dilated cardiomyopathy 1G (CMD1G). Identifiers: Orphanet 154, MedGen C1858763, MONDO:0011400, OMIM 604145.
Autosomal recessive limb-girdle muscular dystrophy type 2J (LGMDR10). Also called: MUSCULAR DYSTROPHY, LIMB-GIRDLE, AUTOSOMAL RECESSIVE 10; Limb-girdle muscular dystrophy, type 2J. Identifiers: Orphanet 140922, MedGen C1837342, MONDO:0012127, OMIM 608807.
Cardiomyopathy (CMYO). Also called: Cardiomyopathies. Identifiers: Orphanet 167848, MedGen C0878544, MONDO:0004994, HP:0001638. Inheritance: Various modes of inheritance.
Early-onset myopathy with fatal cardiomyopathy (CMYO5). Also called: CONGENITAL MYOPATHY 5 WITH CARDIOMYOPATHY; Salih Myopathy. Identifiers: Orphanet 289377, MedGen C2673677, MONDO:0012714, OMIM 611705. Disease mechanism: loss of function.
Myopathy, myofibrillar, 9, with early respiratory failure (MFM9). Also called: Myopathy, distal, with early respiratory failure, autosomal dominant; Hereditary myopathy with early respiratory failure; MYOPATHY, PROXIMAL, WITH EARLY RESPIRATORY MUSCLE INVOLVEMENT; EDSTROM MYOPATHY. Identifiers: Orphanet 178464, Orphanet 34521, MedGen C1863599, MONDO:0011362, OMIM 603689.
Tibial muscular dystrophy (TMD). Also called: Udd Distal Myopathy – Tibial Muscular Dystrophy; Tibial muscular dystrophy, tardive; UDD MYOPATHY. Identifiers: Orphanet 609, MedGen C1838244, MONDO:0010870, OMIM 600334.

Allele frequency attached by ClinVar (database versions not stated): TOPMed 0.01046; gnomAD exomes 0.00277 and 0.00127; gnomAD 0.00942 and 0.01013; ExAC 0.00325; ESP Exome Variant Server 0.00825; 1000 Genomes Project 30x 0.01187; 1000 Genomes Project 0.01158.
gnomAD v4.1: 3,349 of 1,613,278 alleles (0.21%); highest among the groups gnomAD compares: African/African-American, 3.2%; 51 homozygotes.

Submissions (27):

Labcorp Genetics (formerly Invitae), Labcorp
Classification: Benign for Dilated cardiomyopathy 1G; Autosomal recessive limb-girdle muscular dystrophy type 2J. Last evaluated: 2026-02-03. Review status: criteria provided, single submitter. Criteria: Invitae Variant Classification Sherloc (09022015). Collection method: clinical testing. Allele origin: germline.

ARUP Laboratories, Molecular Genetics and Genomics, ARUP Laboratories
Classification: Benign. Last evaluated: 2025-05-15. Review status: criteria provided, single submitter. Criteria: ARUP Molecular Germline Variant Investigation Process 2024. Collection method: clinical testing. Allele origin: germline.

Molecular Diagnostic Laboratory for Inherited Cardiovascular Disease, Montreal Heart Institute
Classification: Benign. Last evaluated: 2025-04-09. Review status: criteria provided, single submitter. Criteria: ACMG Guidelines, 2015. Collection method: clinical testing. Allele origin: germline. Affected: no.

Athena Diagnostics
Classification: Benign. Last evaluated: 2024-04-15. Review status: criteria provided, single submitter. Criteria: Athena Diagnostics Criteria. Collection method: clinical testing. Allele origin: unknown.

Mayo Clinic Laboratories, Mayo Clinic
Classification: Benign. Last evaluated: 2022-10-20. Review status: criteria provided, single submitter. Criteria: ACMG Guidelines, 2015. Collection method: clinical testing. Allele origin: germline. Observed: 18 variant alleles.

Genome-Nilou Lab
Classification: Benign for Autosomal recessive limb-girdle muscular dystrophy type 2J. Last evaluated: 2021-09-10. Review status: criteria provided, single submitter. Criteria: ACMG Guidelines, 2015. Collection method: clinical testing. Allele origin: germline. Affected: no.

Genome-Nilou Lab
Classification: Benign for Myopathy, myofibrillar, 9, with early respiratory failure. Last evaluated: 2021-09-10. Review status: criteria provided, single submitter. Criteria: ACMG Guidelines, 2015. Collection method: clinical testing. Allele origin: germline. Affected: no.

Genome-Nilou Lab
Classification: Benign for Early-onset myopathy with fatal cardiomyopathy. Last evaluated: 2021-09-10. Review status: criteria provided, single submitter. Criteria: ACMG Guidelines, 2015. Collection method: clinical testing. Allele origin: germline. Affected: no.

Genome-Nilou Lab
Classification: Benign for Tibial muscular dystrophy. Last evaluated: 2021-09-10. Review status: criteria provided, single submitter. Criteria: ACMG Guidelines, 2015. Collection method: clinical testing. Allele origin: germline. Affected: no.

Women's Health and Genetics/Laboratory Corporation of America, LabCorp
Classification: Likely benign. Last evaluated: 2020-11-14. Review status: criteria provided, single submitter. Criteria: LabCorp Variant Classification Summary - May 2015. Collection method: clinical testing. Allele origin: germline.

Illumina Laboratory Services, Illumina
Classification: Likely benign for Autosomal recessive limb-girdle muscular dystrophy type 2J. Last evaluated: 2018-01-12. Review status: criteria provided, single submitter. Criteria: ICSL Variant Classification Criteria 13 December 2019. Collection method: clinical testing. Allele origin: germline.
Comment: This variant was observed in the ICSL laboratory as part of a predisposition screen in an ostensibly healthy population. It had not been previously curated by ICSL or reported in the Human Gene Mutation Database (HGMD: prior to June 1st, 2018), and was therefore a candidate for classification through an automated scoring system. Utilizing variant allele frequency, disease prevalence and penetrance estimates, and inheritance mode, an automated score was calculated to assess if this variant is too frequent to cause the disease. Based on the score and internal cut-off values, a variant classified as likely benign is not then subjected to further curation. The score for this variant resulted in a classification of likely benign for this disease.

Illumina Laboratory Services, Illumina
Classification: Likely benign for Dilated cardiomyopathy 1G. Last evaluated: 2018-01-12. Review status: criteria provided, single submitter. Criteria: ICSL Variant Classification Criteria 13 December 2019. Collection method: clinical testing. Allele origin: germline.
Comment: the same text as in the submission from Illumina Laboratory Services, Illumina above.

Illumina Laboratory Services, Illumina
Classification: Benign for Early-onset myopathy with fatal cardiomyopathy. Last evaluated: 2018-01-12. Review status: criteria provided, single submitter. Criteria: ICSL Variant Classification Criteria 13 December 2019. Collection method: clinical testing. Allele origin: germline.
Comment: This variant was observed in the ICSL laboratory as part of a predisposition screen in an ostensibly healthy population. It had not been previously curated by ICSL or reported in the Human Gene Mutation Database (HGMD: prior to June 1st, 2018), and was therefore a candidate for classification through an automated scoring system. Utilizing variant allele frequency, disease prevalence and penetrance estimates, and inheritance mode, an automated score was calculated to assess if this variant is too frequent to cause the disease. Based on the score and internal cut-off values, a variant classified as benign is not then subjected to further curation. The score for this variant resulted in a classification of benign for this disease.

Illumina Laboratory Services, Illumina
Classification: Benign for Myopathy, myofibrillar, 9, with early respiratory failure. Last evaluated: 2018-01-12. Review status: criteria provided, single submitter. Criteria: ICSL Variant Classification Criteria 13 December 2019. Collection method: clinical testing. Allele origin: germline.
Comment: the same text as in the submission from Illumina Laboratory Services, Illumina above.

Illumina Laboratory Services, Illumina
Classification: Benign for Tibial muscular dystrophy. Last evaluated: 2018-01-12. Review status: criteria provided, single submitter. Criteria: ICSL Variant Classification Criteria 13 December 2019. Collection method: clinical testing. Allele origin: germline.
Comment: the same text as in the submission from Illumina Laboratory Services, Illumina above.

CHEO Genetics Diagnostic Laboratory, Children's Hospital of Eastern Ontario
Classification: Benign for Cardiomyopathy. Last evaluated: 2017-06-27. Review status: criteria provided, single submitter. Criteria: ACMG Guidelines, 2015. Collection method: clinical testing. Allele origin: germline. Study: Canadian Open Genetics Repository.

Eurofins Ntd Llc (ga)
Classification: Benign. Last evaluated: 2013-08-01. Review status: criteria provided, single submitter. Criteria: EGL Classification Definitions 2015. Collection method: clinical testing. Allele origin: germline. Observed: 1 variant allele, 1 heterozygote.

Biesecker Lab/Clinical Genomics Section, National Institutes of Health
Classification: Benign. Last evaluated: 2013-06-24. Review status: criteria provided, single submitter. Criteria: Ng et al. (Circ Cardiovasc Genet. 2013). Collection method: research. Allele origin: unknown. Observed: 3 variant alleles. Study: ClinSeq.
Comment: The study set was not selected for affection status in relation to any cancer. Pathogenicity categories were based on literature curation. See Pubmed ID:23861362 for details.

Medical sequencing

GeneDx
Classification: Benign. Last evaluated: 2013-04-30. Review status: criteria provided, single submitter. Criteria: GeneDx Variant Classification (06012015). Collection method: clinical testing. Allele origin: germline. Affected: yes.
Comment: This variant is considered likely benign or benign based on one or more of the following criteria: it is a conservative change, it occurs at a poorly conserved position in the protein, it is predicted to be benign by multiple in silico algorithms, and/or has population frequency not consistent with disease.

Laboratory for Molecular Medicine, Mass General Brigham Personalized Medicine
Classification: Benign. Last evaluated: 2012-07-31. Review status: criteria provided, single submitter. Criteria: LMM Criteria. Collection method: clinical testing. Allele origin: germline. Observed: 14 variant alleles.

Breakthrough Genomics
Classification: Likely benign. Review status: criteria provided, single submitter. Criteria: ACMG Guidelines, 2015. Collection method: not provided. Allele origin: germline. Inheritance: Autosomal recessive inheritance. Affected: yes.

PreventionGenetics, part of Exact Sciences
Classification: Benign for TTN-related condition. Last evaluated: 2019-05-29. Review status: no assertion criteria provided. Collection method: clinical testing. Allele origin: germline. Not counted in ClinVar's aggregate classification.
Comment: This variant is classified as benign based on ACMG/AMP sequence variant interpretation guidelines (Richards et al. 2015 PMID: 25741868, with internal and published modifications).

Clinical Genetics DNA and cytogenetics Diagnostics Lab, Erasmus MC, Erasmus Medical Center
Classification: Benign. Review status: no assertion criteria provided. Collection method: clinical testing. Allele origin: germline. Affected: yes. Study: VKGL Data-share Consensus. Not counted in ClinVar's aggregate classification.

Clinical Genetics, Academic Medical Center
Classification: Benign. Review status: no assertion criteria provided. Collection method: clinical testing. Allele origin: germline. Affected: yes. Study: VKGL Data-share Consensus. Not counted in ClinVar's aggregate classification.

Diagnostic Laboratory, Department of Genetics, University Medical Center Groningen
Classification: Likely benign. Review status: no assertion criteria provided. Collection method: clinical testing. Allele origin: germline. Affected: yes. Study: VKGL Data-share Consensus. Not counted in ClinVar's aggregate classification.

Genetic Services Laboratory, University of Chicago
Classification: Likely benign for AllHighlyPenetrant. Review status: no assertion criteria provided. Collection method: clinical testing. Allele origin: germline. Not counted in ClinVar's aggregate classification.
Comment: Likely benign based on allele frequency in 1000 Genomes Project or ESP global frequency and its presence in a patient with a rare or unrelated disease phenotype. NOT Sanger confirmed.

Laboratory of Diagnostic Genome Analysis, Leiden University Medical Center (LUMC)
Classification: Likely benign. Review status: no assertion criteria provided. Collection method: clinical testing. Allele origin: germline. Affected: yes. Study: VKGL Data-share Consensus. Not counted in ClinVar's aggregate classification.

Literature cited by the submitters: PubMed 26516846 (cited by Athena Diagnostics).